The following is an entry in ClinVar:

NM_000238.4(KCNH2):c.3415C>T (p.Pro1139Ser)

Gene: KCNH2 (potassium voltage-gated channel subfamily H member 2; minus strand). Cytogenetic location: 7q36.1.
Variant type: single nucleotide variant.
Coding change: c.3415C>T on transcript NM_000238.4 (MANE Select); coding-DNA position 3415, C replaced by T.
Protein change: p.Pro1139Ser; replaces proline 1139 with serine.
Molecular consequence: missense variant. On other transcripts: non-coding transcript variant (2).
Genome position (GRCh38, 1-based): chr7:150,945,430, G>A on the plus strand (C>T on the coding strand, the complement: KCNH2 is on the minus strand). VCF-style: chr7-150945430-G-A. GRCh37 (hg19) VCF-style: chr7-150642518-G-A.
Other names: c.3127C>T, p.Pro1043Ser (NM_001406753.1); c.2395C>T, p.Pro799Ser (NM_172057.3); short protein forms P799S, P1043S, P1139S.
Identifiers: ClinVar variation 2773415 (VCV002773415.5), dbSNP rs2485994826, ClinGen allele CA369851462.

ClinVar aggregate classification (germline): Uncertain significance. Review status: criteria provided, multiple submitters, no conflicts (2 of 4 stars). 3 submissions from 3 submitters: Uncertain significance (3). Last evaluated 2024-10-04.

Conditions:
Cardiac arrhythmia. Also called: Cardiac rhythm disease; Arrhythmia. Identifiers: MedGen C0003811, MONDO:0007263, HP:0011675.
Long QT syndrome (LQTS). Identifiers: MedGen C0023976, MeSH D008133, MONDO:0002442. Disease mechanism: loss of function. Inheritance: Various modes of inheritance.

Submissions (3):

Labcorp Genetics (formerly Invitae), Labcorp
Classification: Uncertain significance for Long QT syndrome. Last evaluated: 2024-10-04. Review status: criteria provided, single submitter. Criteria: Invitae Variant Classification Sherloc (09022015). Collection method: clinical testing. Allele origin: germline.
Comment: This sequence change replaces proline, which is neutral and non-polar, with serine, which is neutral and polar, at codon 1139 of the KCNH2 protein (p.Pro1139Ser). This variant is not present in population databases (gnomAD no frequency). This variant has not been reported in the literature in individuals affected with KCNH2-related conditions. An algorithm developed to predict the effect of missense changes on protein structure and function (PolyPhen-2) suggests that this variant is likely to be disruptive. In summary, the available evidence is currently insufficient to determine the role of this variant in disease. Therefore, it has been classified as a Variant of Uncertain Significance.

Color Diagnostics, LLC DBA Color Health
Classification: Uncertain significance for Cardiac arrhythmia. Last evaluated: 2023-10-16. Review status: criteria provided, single submitter. Criteria: ACMG Guidelines, 2015. Collection method: clinical testing. Allele origin: germline.
Comment: This missense variant replaces proline with serine at codon 1139 of the KCNH2 protein. Computational prediction is inconclusive regarding the impact of this variant on protein structure and function (internally defined REVEL score threshold 0.5 < inconclusive < 0.7, PMID: 27666373). To our knowledge, functional studies have not been reported for this variant. This variant has not been reported in individuals affected with KCNH2-related disorders in the literature. This variant has not been identified in the general population by the Genome Aggregation Database (gnomAD). The available evidence is insufficient to determine the role of this variant in disease conclusively. Therefore, this variant is classified as a Variant of Uncertain Significance.

All of Us Research Program, National Institutes of Health
Classification: Uncertain significance for Long QT syndrome. Last evaluated: 2023-05-31. Review status: criteria provided, single submitter. Criteria: ACMG Guidelines, 2015. Collection method: clinical testing. Allele origin: germline. Inheritance: Autosomal dominant inheritance. Observed: 1 variant allele, 1 heterozygote.
Comment: This study involves interpretation of variants in research participants for the purpose of population health screening. Participant phenotype was not available at the time of variant classification. Additional details can be found in publication PMID: 35346344, PMCID: PMC8962531